The following is an entry in ClinVar:

ClinVar aggregate classification (germline): Conflicting classifications of pathogenicity. Review status: criteria provided, conflicting classifications (1 of 4 stars). 2 submissions from 2 submitters: Uncertain significance (1); Likely benign (1). Last evaluated 2025-03-13.

Conditions:
Inborn genetic diseases. Identifiers: MedGen C0950123, MeSH D030342.

Allele frequency attached by ClinVar (database versions not stated): ExAC 0.00001; 1000 Genomes Project 30x 0.00016; 1000 Genomes Project 0.00020.
gnomAD v4.1: 14 of 1,614,252 alleles (0.00087%); highest among the groups gnomAD compares: Admixed American, 0.0083%; no homozygotes.

Submissions (2):

Ambry Genetics
Classification: Likely benign for Inborn genetic diseases. Last evaluated: 2025-03-13. Review status: criteria provided, single submitter. Criteria: Ambry Variant Classification Scheme 2023. Collection method: clinical testing. Allele origin: germline.

Labcorp Genetics (formerly Invitae), Labcorp
Classification: Uncertain significance. Last evaluated: 2024-05-13. Review status: criteria provided, single submitter. Criteria: Invitae Variant Classification Sherloc (09022015). Collection method: clinical testing. Allele origin: germline.
Comment: This sequence change replaces glutamine, which is neutral and polar, with histidine, which is basic and polar, at codon 68 of the ETV6 protein (p.Gln68His). This variant is present in population databases (rs202004830, gnomAD 0.007%). This missense change has been observed in individual(s) with acute lymphoblastic leukemia (PMID: 26522332). ClinVar contains an entry for this variant (Variation ID: 2197329). Advanced modeling of protein sequence and biophysical properties (such as structural, functional, and spatial information, amino acid conservation, physicochemical variation, residue mobility, and thermodynamic stability) performed at Invitae indicates that this missense variant is not expected to disrupt ETV6 protein function with a negative predictive value of 80%. In summary, the available evidence is currently insufficient to determine the role of this variant in disease. Therefore, it has been classified as a Variant of Uncertain Significance.

Literature cited by the submitters: PubMed 26522332 (cited by Labcorp Genetics (formerly Invitae), Labcorp).

NM_001987.5(ETV6):c.204G>C (p.Gln68His)

Genes: ETV6 (ETS variant transcription factor 6; plus strand), LOC126861451 (BRD4-independent group 4 enhancer GRCh37_chr12:11991350-11992549; plus strand). Cytogenetic location: 12p13.2.
Variant type: single nucleotide variant.
Coding change: c.204G>C on transcript NM_001987.5 (MANE Select); coding-DNA position 204, G replaced by C.
Protein change: p.Gln68His; replaces glutamine 68 with histidine.
Molecular consequence: missense variant.
Genome position (GRCh38, 1-based): chr12:11,839,180, G>C. VCF-style: chr12-11839180-G-C. GRCh37 (hg19) VCF-style: chr12-11992114-G-C.
Other names: c.201G>C, p.Gln67His (NM_001413913.1); c.177G>C, p.Gln59His (NM_001413914.1); c.-61G>C (NM_001413915.1); c.204G>C, p.Gln68His (NM_001413916.1, NM_001413917.1, NM_001413918.1); short protein forms Q59H, Q67H, Q68H.
Identifiers: ClinVar variation 2197329 (VCV002197329.5), dbSNP rs202004830, ClinGen allele CA6454182.
Genomic context (GRCh38, chr12:11,839,180, plus strand): 5'-CCTCATGCTCTCTCCAACAGGCTTGCAGCCAATTTACTGGAGCAGGGATGACGTAGCCCA[G>C]TGGCTCAAGTGGGCTGAAAATGAGTTTTCTTTAAGGCCAATTGACAGCAACACGTTTGAA-3'
Protein context (NP_001978.1, residues 58-78): PIYWSRDDVA[Gln68His]WLKWAENEFS